The following is an entry in ClinVar:

NM_001148.6(ANK2):c.9569T>C (p.Val3190Ala)

Gene: ANK2 (ankyrin 2; plus strand). Cytogenetic location: 4q26.
Variant type: single nucleotide variant.
Coding change: c.9569T>C on transcript NM_001148.6 (MANE Select); coding-DNA position 9569, T replaced by C.
Protein change: p.Val3190Ala; replaces valine 3190 with alanine.
Molecular consequence: missense variant. On other transcripts: intron variant (68).
Genome position (GRCh38, 1-based): chr4:113,358,187, T>C. VCF-style: chr4-113358187-T-C. GRCh37 (hg19) VCF-style: chr4-114279343-T-C.
Other names: c.9335T>C, p.Val3112Ala (NM_001386142.1); c.5969T>C, p.Val1990Ala (NM_001386166.1); c.9710T>C, p.Val3237Ala (NM_001386174.1); c.9686T>C, p.Val3229Ala (NM_001386175.1); c.4412-2636T>C (NM_001386186.2, NM_001386148.2); c.4214-2636T>C (NM_001354269.3); c.4292-2636T>C (NM_001386187.2); c.4253-2636T>C (NM_001386147.1); and 35 more; short protein forms V3190A, V1990A, V3112A, V3229A, V3237A.
Identifiers: ClinVar variation 575858 (VCV000575858.8), dbSNP rs764211092, ClinGen allele CA3051944.

ClinVar aggregate classification (germline): Uncertain significance. Review status: criteria provided, multiple submitters, no conflicts (2 of 4 stars). 3 submissions from 3 submitters: Uncertain significance (3). Last evaluated 2024-03-13.

Conditions:
Cardiovascular phenotype. Identifiers: MedGen CN230736.
Long QT syndrome (LQTS). Identifiers: MedGen C0023976, MeSH D008133, MONDO:0002442. Disease mechanism: loss of function. Inheritance: Various modes of inheritance.

Allele frequency attached by ClinVar (database versions not stated): gnomAD exomes below 0.00001; ExAC 0.00001; TOPMed 0.00003; gnomAD 0.00004 and 0.00005.
gnomAD v4.1: 11 of 1,614,032 alleles (0.00068%); highest among the groups gnomAD compares: African/African-American, 0.015%; no homozygotes.

Submissions (3):

Women's Health and Genetics/Laboratory Corporation of America, LabCorp
Classification: Uncertain significance. Last evaluated: 2024-03-13. Review status: criteria provided, single submitter. Criteria: LabCorp Variant Classification Summary - May 2015. Collection method: clinical testing. Allele origin: germline.
Comment: Variant summary: ANK2 c.9569T>C (p.Val3190Ala) results in a non-conservative amino acid change in the encoded protein sequence. Four of five in-silico tools predict a benign effect of the variant on protein function. The variant allele was found at a frequency of 4e-06 in 250760 control chromosomes. The available data on variant occurrences in the general population are insufficient to allow any conclusion about variant significance. To our knowledge, no occurrence of c.9569T>C in individuals affected with Arrhythmia and no experimental evidence demonstrating its impact on protein function have been reported. ClinVar contains an entry for this variant (Variation ID: 575858). Based on the evidence outlined above, the variant was classified as uncertain significance.

Ambry Genetics
Classification: Uncertain significance for Cardiovascular phenotype. Last evaluated: 2023-10-23. Review status: criteria provided, single submitter. Criteria: Ambry Variant Classification Scheme 2023. Collection method: clinical testing. Allele origin: germline.
Comment: The p.V3190A variant (also known as c.9569T>C), located in coding exon 38 of the ANK2 gene, results from a T to C substitution at nucleotide position 9569. The valine at codon 3190 is replaced by alanine, an amino acid with similar properties. This amino acid position is conserved. In addition, this alteration is predicted to be tolerated by in silico analysis. Since supporting evidence is limited at this time, the clinical significance of this alteration remains unclear.

Labcorp Genetics (formerly Invitae), Labcorp
Classification: Uncertain significance for Long QT syndrome. Last evaluated: 2023-03-29. Review status: criteria provided, single submitter. Criteria: Invitae Variant Classification Sherloc (09022015). Collection method: clinical testing. Allele origin: germline.
Comment: In summary, the available evidence is currently insufficient to determine the role of this variant in disease. Therefore, it has been classified as a Variant of Uncertain Significance. Algorithms developed to predict the effect of missense changes on protein structure and function output the following: SIFT: "Not Available"; PolyPhen-2: "Benign"; Align-GVGD: "Not Available". The alanine amino acid residue is found in multiple mammalian species, which suggests that this missense change does not adversely affect protein function. ClinVar contains an entry for this variant (Variation ID: 575858). This variant has not been reported in the literature in individuals affected with ANK2-related conditions. This variant is present in population databases (rs764211092, gnomAD 0.008%). This sequence change replaces valine, which is neutral and non-polar, with alanine, which is neutral and non-polar, at codon 3190 of the ANK2 protein (p.Val3190Ala).